The following is an entry in ClinVar:

ClinVar aggregate classification (germline): Uncertain significance. Review status: criteria provided, single submitter (1 of 4 stars). 2 submissions from 2 submitters: Uncertain significance (1). 1 of the submissions does not count toward it. Last evaluated 2025-08-04.

Conditions:
Deficiency of butyryl-CoA dehydrogenase (ACADSD). Also called: SCAD DEFICIENCY, MILD; SCAD Deficiency; ACADS DEFICIENCY; SCADH DEFICIENCY; ACYL-CoA DEHYDROGENASE, SHORT-CHAIN, DEFICIENCY OF; Short-Chain Acyl-CoA Dehydrogenase Deficiency. Identifiers: Orphanet 26792, MedGen C0342783, MONDO:0008722, OMIM 201470. Disease mechanism: May be benign.

Allele frequency attached by ClinVar (database versions not stated): gnomAD 0.00001; TOPMed 0.00002; ExAC 0.00004.

Submissions (2):

Labcorp Genetics (formerly Invitae), Labcorp
Classification: Uncertain significance for Deficiency of butyryl-CoA dehydrogenase. Last evaluated: 2025-08-04. Review status: criteria provided, single submitter. Criteria: Invitae Variant Classification Sherloc (09022015). Collection method: clinical testing. Allele origin: germline.
Comment: This sequence change replaces glycine, which is neutral and non-polar, with serine, which is neutral and polar, at codon 90 of the ACADS protein (p.Gly90Ser). This variant is present in population databases (rs121908005, gnomAD 0.006%). This missense change has been observed in individual(s) with short-chain acyl-coA dehydrogenase (SCAD) deficiency (PMID: 11134486). ClinVar contains an entry for this variant (Variation ID: 3832). Invitae Evidence Modeling of protein sequence and biophysical properties (such as structural, functional, and spatial information, amino acid conservation, physicochemical variation, residue mobility, and thermodynamic stability) indicates that this missense variant is expected to disrupt ACADS protein function with a positive predictive value of 95%. Experimental studies have shown that this missense change affects ACADS function (PMID: 11134486). In summary, the available evidence is currently insufficient to determine the role of this variant in disease. Therefore, it has been classified as a Variant of Uncertain Significance.

OMIM
Classification: Pathogenic for SCAD DEFICIENCY. Last evaluated: 2001-01-01. Review status: no assertion criteria provided. Collection method: literature only. Allele origin: germline. Not counted in ClinVar's aggregate classification.

Literature cited by the submitters: PubMed 11134486 (cited by Labcorp Genetics (formerly Invitae), Labcorp and OMIM).

NM_000017.4(ACADS):c.268G>A (p.Gly90Ser)

Gene: ACADS (acyl-CoA dehydrogenase short chain; plus strand). Cytogenetic location: 12q24.31.
Variant type: single nucleotide variant.
Coding change: c.268G>A on transcript NM_000017.4 (MANE Select); coding-DNA position 268, G replaced by A.
Protein change: p.Gly90Ser; replaces glycine 90 with serine.
Molecular consequence: missense variant.
Genome position (GRCh38, 1-based): chr12:120,737,043, G>A. VCF-style: chr12-120737043-G-A. GRCh37 (hg19) VCF-style: chr12-121174846-G-A.
Other names: G66S; c.268G>A, p.Gly90Ser (NM_001302554.2); short protein forms G90S.
Identifiers: ClinVar variation 3832 (VCV000003832.8), dbSNP rs121908005, ClinGen allele CA252883.
Genomic context (GRCh38, chr12:120,737,043, plus strand): 5'-CAGGTGAAGAAGATGGGCGGGCTTGGGCTTCTGGCCATGGACGTGCCCGAGGAGCTTGGC[G>A]GTGCTGGCCTCGATTACCTGGCCTACGCCATCGCCATGGAGGAGATCAGCCGTGGCTGCG-3'
Protein context (NP_000008.1, residues 80-100): LAMDVPEELG[Gly90Ser]AGLDYLAYAI